The following is an entry in ClinVar:

NM_001384140.1(PCDH15):c.1386C>A (p.Tyr462Ter)

Gene: PCDH15 (protocadherin related 15; minus strand). Cytogenetic location: 10q21.1.
Variant type: single nucleotide variant.
Coding change: c.1386C>A on transcript NM_001384140.1 (MANE Select); coding-DNA position 1386, C replaced by A.
Protein change: p.Tyr462Ter; replaces tyrosine 462 with a stop codon.
Molecular consequence: nonsense.
Genome position (GRCh38, 1-based): chr10:54,185,188, G>T on the plus strand (C>A on the coding strand, the complement: PCDH15 is on the minus strand). VCF-style: chr10-54185188-G-T. GRCh37 (hg19) VCF-style: chr10-55944948-G-T.
Other names: c.1401C>A, p.Tyr467Ter (NM_001142763.2, NM_001142771.2); c.1386C>A, p.Tyr462Ter (NM_001142764.2, NM_001142765.2, NM_001142766.2 and 6 more transcripts); c.1275C>A, p.Tyr425Ter (NM_001142767.2); c.1320C>A, p.Tyr440Ter (NM_001142768.2, NM_001142773.2, NM_001354404.2); c.1422C>A, p.Tyr474Ter (NM_001142769.4); c.1407C>A, p.Tyr469Ter (NM_001354411.2); short protein forms Y425*, Y440*, Y462*, Y467*, Y469*, Y474*.
Identifiers: ClinVar variation 3601606 (VCV003601606.1).
Genomic context (GRCh38, chr10:54,185,188, plus strand): 5'-CTTTACCGAAAAGGTGTAAGTTTGCTGTTCTTCCCTGTCCACTGGTTGAAGTAAGGTGAG[G>T]TAGCGAGTAATACCAGTCTGTGTGACGGTGAAGACTGAGGTGTAGTCATTCAGAAAAAGG-3'

ClinVar aggregate classification (germline): Pathogenic (1 of 4 stars; one submission).

Conditions:
Autosomal recessive nonsyndromic hearing loss 23. Identifiers: Orphanet 90636, MedGen C1836027, MONDO:0012293, OMIM 609533.

Submission:

Institute of Rare Diseases, West China Hospital, Sichuan University
Classification: Pathogenic for Autosomal recessive nonsyndromic hearing loss 23. Last evaluated: 2025-01-09. Review status: criteria provided, single submitter. Criteria: ClinGen HL ACMG Specifications v1. Collection method: research. Allele origin: germline. Affected: yes.
Comment: PVS1;PM3;PM2_Supporting